The following is an entry in ClinVar:

NM_007272.3(CTRC):c.496A>C (p.Asn166His)

Gene: CTRC (chymotrypsin C; plus strand). Cytogenetic location: 1p36.21.
Variant type: single nucleotide variant.
Coding change: c.496A>C on transcript NM_007272.3 (MANE Select); coding-DNA position 496, A replaced by C.
Protein change: p.Asn166His; replaces asparagine 166 with histidine.
Molecular consequence: missense variant.
Genome position (GRCh38, 1-based): chr1:15,444,608, A>C. VCF-style: chr1-15444608-A-C. GRCh37 (hg19) VCF-style: chr1-15771103-A-C.
Other names: short protein forms N166H.
Identifiers: ClinVar variation 1744445 (VCV001744445.7), dbSNP rs2526301112, ClinGen allele CA338566872.

ClinVar aggregate classification (germline): Uncertain significance. Review status: criteria provided, multiple submitters, no conflicts (2 of 4 stars). 2 submissions from 2 submitters: Uncertain significance (2). Last evaluated 2025-02-13.

Conditions:
Hereditary pancreatitis (PCTT). Also called: Hereditary chronic pancreatitis; PRSS1-Related Hereditary Pancreatitis. Identifiers: Orphanet 676, MedGen C0238339, MONDO:0008185, OMIM 167800.

Allele frequency attached by ClinVar (database versions not stated): gnomAD exomes below 0.00001.

Submissions (2):

Ambry Genetics
Classification: Uncertain significance for Hereditary pancreatitis. Last evaluated: 2025-02-13. Review status: criteria provided, single submitter. Criteria: Ambry Variant Classification Scheme 2023. Collection method: clinical testing. Allele origin: germline.
Comment: The p.N166H variant (also known as c.496A>C), located in coding exon 6 of the CTRC gene, results from an A to C substitution at nucleotide position 496. The asparagine at codon 166 is replaced by histidine, an amino acid with similar properties. This amino acid position is conserved. In addition, this alteration is predicted to be tolerated by in silico analysis. Since supporting evidence is limited at this time, the clinical significance of this alteration remains unclear.

Labcorp Genetics (formerly Invitae), Labcorp
Classification: Uncertain significance for Hereditary pancreatitis. Last evaluated: 2022-11-07. Review status: criteria provided, single submitter. Criteria: Invitae Variant Classification Sherloc (09022015). Collection method: clinical testing. Allele origin: germline.
Comment: In summary, the available evidence is currently insufficient to determine the role of this variant in disease. Therefore, it has been classified as a Variant of Uncertain Significance. Algorithms developed to predict the effect of missense changes on protein structure and function are either unavailable or do not agree on the potential impact of this missense change (SIFT: "Deleterious"; PolyPhen-2: "Possibly Damaging"; Align-GVGD: "Class C0"). This variant has not been reported in the literature in individuals affected with CTRC-related conditions. This variant is not present in population databases (gnomAD no frequency). This sequence change replaces asparagine, which is neutral and polar, with histidine, which is basic and polar, at codon 166 of the CTRC protein (p.Asn166His).